The following is an entry in ClinVar:

NM_006030.4(CACNA2D2):c.466-134G>T

Gene: CACNA2D2 (calcium voltage-gated channel auxiliary subunit alpha2delta 2; minus strand). Cytogenetic location: 3p21.31.
Variant type: single nucleotide variant.
Coding change: c.466-134G>T on transcript NM_006030.4 (MANE Select); 134 bases into the intron before coding-DNA position 466, G replaced by T.
Molecular consequence: intron variant.
Genome position (GRCh38, 1-based): chr3:50,387,746, C>A on the plus strand (G>T on the coding strand, the complement: CACNA2D2 is on the minus strand). VCF-style: chr3-50387746-C-A. GRCh37 (hg19) VCF-style: chr3-50425177-C-A.
Other names: c.259-134G>T (NM_001291101.1); c.466-134G>T (NM_001005505.3, NM_001174051.3).
Identifiers: ClinVar variation 1264500 (VCV001264500.5), dbSNP rs2236954, ClinGen allele CA11360572.

ClinVar aggregate classification (germline): Benign. Review status: criteria provided, multiple submitters, no conflicts (2 of 4 stars). 3 submissions from 3 submitters: Benign (3). Last evaluated 2024-07-15.

Allele frequency attached by ClinVar (database versions not stated): gnomAD exomes 0.17980; gnomAD 0.28953 and 0.29379; TOPMed 0.32134; 1000 Genomes Project 30x 0.36259; 1000 Genomes Project 0.36262.
gnomAD v4.1: 142,352 of 698,294 alleles (20%); highest among the groups gnomAD compares: African/African-American, 53%; 21,768 homozygotes.

Submissions (3):

Unidad de Genómica Garrahan, Hospital de Pediatría Garrahan
Classification: Benign. Last evaluated: 2024-07-15. Review status: criteria provided, single submitter. Criteria: ACMG Guidelines, 2015. Collection method: clinical testing. Allele origin: germline. Affected: no. Observed: 24 variant alleles.
Comment: This variant is classified as Benign based on local population frequency. This variant was detected in 26% of patients studied in a panel designed for Epileptic and Developmental Encephalopathy and Progressive Myoclonus Epilepsy. Number of patients: 24. Only high quality variants are reported.

GeneDx
Classification: Benign. Last evaluated: 2021-05-10. Review status: criteria provided, single submitter. Criteria: GeneDx Variant Classification Process June 2021. Collection method: clinical testing. Allele origin: germline. Affected: yes.

Breakthrough Genomics
Classification: Benign. Review status: criteria provided, single submitter. Criteria: ACMG Guidelines, 2015. Collection method: not provided. Allele origin: germline. Inheritance: Autosomal recessive inheritance. Affected: yes.